The following is an entry in ClinVar:

NM_005359.6(SMAD4):c.249+215A>G

Gene: SMAD4 (SMAD family member 4; plus strand). Cytogenetic location: 18q21.2.
Variant type: single nucleotide variant.
Coding change: c.249+215A>G on transcript NM_005359.6 (MANE Select); 215 bases into the intron after coding-DNA position 249, A replaced by G.
Molecular consequence: intron variant.
Genome position (GRCh38, 1-based): chr18:51,047,510, A>G. VCF-style: chr18-51047510-A-G. GRCh37 (hg19) VCF-style: chr18-48573880-A-G.
Identifiers: ClinVar variation 677117 (VCV000677117.1), dbSNP rs16952779, ClinGen allele CA300081223.

ClinVar aggregate classification (germline): Benign (1 of 4 stars; one submission).

Allele frequency attached by ClinVar (database versions not stated): gnomAD 0.02989 and 0.03219; 1000 Genomes Project 0.03235; TOPMed 0.03355; 1000 Genomes Project 30x 0.03592.
gnomAD v4.1: 4,522 of 152,326 alleles (3%); highest among the groups gnomAD compares: African/African-American, 10%; 264 homozygotes.

Submission:

GeneDx
Classification: Benign. Last evaluated: 2018-06-14. Review status: criteria provided, single submitter. Criteria: GeneDx Variant Classification (06012015). Collection method: clinical testing. Allele origin: germline. Affected: yes.
Comment: This variant is considered likely benign or benign based on one or more of the following criteria: it is a conservative change, it occurs at a poorly conserved position in the protein, it is predicted to be benign by multiple in silico algorithms, and/or has population frequency not consistent with disease.